The following is an entry in ClinVar:

ClinVar aggregate classification (germline): Uncertain significance. Review status: criteria provided, multiple submitters, no conflicts (2 of 4 stars). 2 submissions from 2 submitters: Uncertain significance (2). Last evaluated 2025-04-28.

Submissions (2):

Women's Health and Genetics/Laboratory Corporation of America, LabCorp
Classification: Uncertain significance. Last evaluated: 2025-04-28. Review status: criteria provided, single submitter. Criteria: LabCorp Variant Classification Summary - May 2015. Collection method: clinical testing. Allele origin: germline.
Comment: Variant summary: HBB c.-92C>T (g.5248343G>A) is located in the untranscribed region upstream of the HBB gene region. The variant allele was found at a frequency of 3.4e-06 in 887534 control chromosomes. The available data on variant occurrences in the general population are insufficient to allow any conclusion about variant significance. To our knowledge, no occurrence of c.-92C>T in individuals affected with Beta Thalassemia has been reported. At least one publication reports experimental evidence of no impact on transcription level (Myers_1986). ClinVar contains an entry for this variant (Variation ID: 632842). The following publication has been ascertained in the context of this evaluation (PMID: 3457470). Based on the evidence outlined above, the variant was classified as uncertain significance.

Quest Diagnostics Nichols Institute San Juan Capistrano
Classification: Uncertain significance. Last evaluated: 2020-11-09. Review status: criteria provided, single submitter. Criteria: Quest Diagnostics criteria. Collection method: clinical testing. Allele origin: unknown.

Literature cited by the submitters: PubMed 3457470 (cited by Women's Health and Genetics/Laboratory Corporation of America, LabCorp and Quest Diagnostics Nichols Institute San Juan Capistrano).

NM_000518.5(HBB):c.-92C>T

Genes: HBB (hemoglobin subunit beta; minus strand), LOC107133510 (origin of replication at HBB; plus strand), LOC106099062 (HBB recombination region; plus strand). Cytogenetic location: 11p15.4.
Variant type: single nucleotide variant.
Coding change: c.-92C>T on transcript NM_000518.5 (MANE Select); 92 bases upstream of the start codon, C replaced by T.
Genome position (GRCh38, 1-based): chr11:5,227,113, G>A on the plus strand (C>T on the coding strand, the complement: HBB is on the minus strand). VCF-style: chr11-5227113-G-A. GRCh37 (hg19) VCF-style: chr11-5248343-G-A.
Identifiers: ClinVar variation 632842 (VCV000632842.6), dbSNP rs397515291, ClinGen allele CA913190241.